The following is an entry in ClinVar:

NM_001165963.4(SCN1A):c.871A>G (p.Ser291Gly)

Gene: SCN1A (sodium voltage-gated channel alpha subunit 1; minus strand). Cytogenetic location: 2q24.3.
Variant type: single nucleotide variant.
Coding change: c.871A>G on transcript NM_001165963.4 (MANE Select); coding-DNA position 871, A replaced by G.
Protein change: p.Ser291Gly; replaces serine 291 with glycine.
Molecular consequence: missense variant. On other transcripts: 5 prime UTR variant (1), non-coding transcript variant (1).
Genome position (GRCh38, 1-based): chr2:166,051,812, T>C on the plus strand (A>G on the coding strand, the complement: SCN1A is on the minus strand). VCF-style: chr2-166051812-T-C. GRCh37 (hg19) VCF-style: chr2-166908322-T-C.
Other names: c.871A>G, p.Ser291Gly (NM_001165964.3, NM_001202435.3, NM_001353948.2 and 10 more transcripts); c.-1555A>G (NM_001353961.2); short protein forms S291G.
Identifiers: ClinVar variation 1429144 (VCV001429144.9), dbSNP rs2105889285, ClinGen allele CA349072825.
Genomic context (GRCh38, chr2:166,051,812, plus strand): 5'-CAAAGACAGTTTCATTTATAAGTGTACCATTATAATTCACAGTTATATTCTTTTCTATAC[T>C]ATGTTCCTCCAAGGAAGCATTGGTGGGAGGCCATTGTATACATTTATTCCTCAGGTTGCC-3'
Protein context (NP_001159435.1, residues 281-301): PPTNASLEEH[Ser291Gly]IEKNITVNYN

ClinVar aggregate classification (germline): Uncertain significance (1 of 4 stars; one submission).

Conditions:
Early-infantile DEE. Also called: Ohtahara syndrome; Early infantile epileptic encephalopathy with suppression bursts; Early infantile epileptic encephalopathy. Identifiers: Orphanet 1934, MedGen C0393706, MONDO:0800491.

Submission:

Labcorp Genetics (formerly Invitae), Labcorp
Classification: Uncertain significance for Early-infantile DEE. Last evaluated: 2025-12-08. Review status: criteria provided, single submitter. Criteria: Invitae Variant Classification Sherloc (09022015). Collection method: clinical testing. Allele origin: germline.
Comment: This sequence change replaces serine, which is neutral and polar, with glycine, which is neutral and non-polar, at codon 291 of the SCN1A protein (p.Ser291Gly). This variant is not present in population databases (gnomAD no frequency). This missense change has been observed in individual(s) with generalized epilepsy with febrile seizures, plus (PMID: 21248271). ClinVar contains an entry for this variant (Variation ID: 1429144). Invitae Evidence Modeling of protein sequence and biophysical properties (such as structural, functional, and spatial information, amino acid conservation, physicochemical variation, residue mobility, and thermodynamic stability) indicates that this missense variant is not expected to disrupt SCN1A protein function with a negative predictive value of 95%. In summary, the available evidence is currently insufficient to determine the role of this variant in disease. Therefore, it has been classified as a Variant of Uncertain Significance.

Literature cited by the submitters: PubMed 21248271.